The following is an entry in ClinVar:

ClinVar aggregate classification (germline): Uncertain significance (1 of 4 stars; one submission).

Allele frequency attached by ClinVar (database versions not stated): TOPMed below 0.00001; gnomAD 0.00001.
gnomAD v4.1: 1 of 1,613,980 alleles (0.000062%); highest among the groups gnomAD compares: Non-Finnish European, 0.000085%; no homozygotes.

Submission:

GeneDx
Classification: Uncertain significance. Last evaluated: 2022-03-08. Review status: criteria provided, single submitter. Criteria: GeneDx Variant Classification Process June 2021. Collection method: clinical testing. Allele origin: germline. Affected: yes.
Comment: Not observed in large population cohorts (gnomAD); In silico analysis, which includes protein predictors and evolutionary conservation, supports a deleterious effect; Has not been previously published as pathogenic or benign to our knowledge; This variant is associated with the following publications: (PMID: 26100331, 25609763, 25512093)

NM_001376.5(DYNC1H1):c.3778G>A (p.Asp1260Asn)

Gene: DYNC1H1 (dynein cytoplasmic 1 heavy chain 1; plus strand). Cytogenetic location: 14q32.31.
Variant type: single nucleotide variant.
Coding change: c.3778G>A on transcript NM_001376.5 (MANE Select); coding-DNA position 3778, G replaced by A.
Protein change: p.Asp1260Asn; replaces aspartic acid 1260 with asparagine.
Molecular consequence: missense variant.
Genome position (GRCh38, 1-based): chr14:101,997,248, G>A. VCF-style: chr14-101997248-G-A. GRCh37 (hg19) VCF-style: chr14-102463585-G-A.
Other names: short protein forms D1260N.
Identifiers: ClinVar variation 1307295 (VCV001307295.3), dbSNP rs1190011519, ClinGen allele CA391036835.